The following is an entry in ClinVar:

ClinVar aggregate classification (germline): Pathogenic (1 of 4 stars; one submission).

Submission:

Labcorp Genetics (formerly Invitae), Labcorp
Classification: Pathogenic. Last evaluated: 2025-07-27. Review status: criteria provided, single submitter. Criteria: Invitae Variant Classification Sherloc (09022015). Collection method: clinical testing. Allele origin: germline.
Comment: This sequence change creates a premature translational stop signal (p.Ser110Profs*85) in the GATA3 gene. It is expected to result in an absent or disrupted protein product. Loss-of-function variants in GATA3 are known to be pathogenic (PMID: 14985365, 21242646). This variant is not present in population databases (gnomAD no frequency). This variant has not been reported in the literature in individuals affected with GATA3-related conditions. For these reasons, this variant has been classified as Pathogenic.

Literature cited by the submitters: PubMed 14985365; PubMed 21242646.

NM_001002295.2(GATA3):c.327del (p.Ser110fs)

Gene: GATA3 (GATA binding protein 3; plus strand). Cytogenetic location: 10p14.
Variant type: Deletion.
Coding change: c.327del on transcript NM_001002295.2 (MANE Select); coding-DNA position 327, one base deleted (C; older notation c.327delC).
Protein change: p.Ser110fs; shifts the reading frame from serine 110.
Molecular consequence: frameshift variant.
Genome position (GRCh38, 1-based): chr10:8,058,390, C deleted; the last of 2 consecutive C bases (chr10:8,058,389-8,058,390); deleting either gives the same sequence. VCF-style (leftmost placement, unchanged base first): chr10-8058388-GC-G. GRCh37 (hg19) VCF-style: chr10-8100351-GC-G.
Other names: c.327del, p.Ser110fs (NM_001441115.1, NM_001441116.1, NM_001441117.1 and 18 more transcripts); short protein forms S110fs.
Identifiers: ClinVar variation 4724144 (VCV004724144.1).
Genomic context (GRCh38, chr10:8,058,388, plus strand): 5'-CTGCTTCATGGATCCCTACCCTGGCTGGACGGCGGCAAAGCCCTGGGCAGCCACCACACC[GC>G]CTCCCCCTGGAATCTCAGCCCCTTCTCCAAGACGTCCATCCACCACGGCTCCCCGGGGCC-3'